The following is an entry in ClinVar:

NM_001164665.2(KIAA1549):c.71C>T (p.Ala24Val)

Gene: KIAA1549 (KIAA1549; minus strand). Cytogenetic location: 7q34.
Variant type: single nucleotide variant.
Coding change: c.71C>T on transcript NM_001164665.2 (MANE Select); coding-DNA position 71, C replaced by T.
Protein change: p.Ala24Val; replaces alanine 24 with valine.
Molecular consequence: missense variant.
Genome position (GRCh38, 1-based): chr7:138,981,199, G>A on the plus strand (C>T on the coding strand, the complement: KIAA1549 is on the minus strand). VCF-style: chr7-138981199-G-A. GRCh37 (hg19) VCF-style: chr7-138665945-G-A.
Other names: c.71C>T, p.Ala24Val (NM_020910.3); c.71C>T (NM_001164665.1); short protein forms A24V.
Identifiers: ClinVar variation 1503052 (VCV001503052.10), dbSNP rs1814540873, ClinGen allele CA369382524.
Genomic context (GRCh38, chr7:138,981,199, plus strand): 5'-AGCCCCGGGCGGCGGCGGCGGGCGCAGCGGGCGGAAGGCCGTCGGCCGCTCGGCCCCGGG[G>A]CCAGCGCGACCCCGGCGCGGGGCTTCCCCTCCATGGCCGCGCCTCGGCGTCGGCGCCGCG-3'
Protein context (NP_001158137.1, residues 14-34): EGKPRAGVAL[Ala24Val]PGPSGRRPSA

ClinVar aggregate classification (germline): Uncertain significance. Review status: criteria provided, multiple submitters, no conflicts (2 of 4 stars). 2 submissions from 2 submitters: Uncertain significance (2). Last evaluated 2025-08-24.

Conditions:
Inborn genetic diseases. Identifiers: MedGen C0950123, MeSH D030342.

Allele frequency attached by ClinVar (database versions not stated): gnomAD exomes below 0.00001; gnomAD 0.00003; TOPMed 0.00003.
gnomAD v4.1: 5 of 1,060,516 alleles (0.00047%); highest among the groups gnomAD compares: Admixed American, 0.0055%; no homozygotes.

Submissions (2):

Ambry Genetics
Classification: Uncertain significance for Inborn genetic diseases. Last evaluated: 2025-08-24. Review status: criteria provided, single submitter. Criteria: Ambry Variant Classification Scheme 2023. Collection method: clinical testing. Allele origin: germline.

Labcorp Genetics (formerly Invitae), Labcorp
Classification: Uncertain significance. Last evaluated: 2024-10-15. Review status: criteria provided, single submitter. Criteria: Invitae Variant Classification Sherloc (09022015). Collection method: clinical testing. Allele origin: germline.
Comment: This sequence change replaces alanine, which is neutral and non-polar, with valine, which is neutral and non-polar, at codon 24 of the KIAA1549 protein (p.Ala24Val). The frequency data for this variant in the population databases is considered unreliable, as metrics indicate insufficient coverage at this position in the gnomAD database. This variant has not been reported in the literature in individuals affected with KIAA1549-related conditions. ClinVar contains an entry for this variant (Variation ID: 1503052). An algorithm developed to predict the effect of missense changes on protein structure and function outputs the following: PolyPhen-2: "Benign". The valine amino acid residue is found in multiple mammalian species, which suggests that this missense change does not adversely affect protein function. In summary, the available evidence is currently insufficient to determine the role of this variant in disease. Therefore, it has been classified as a Variant of Uncertain Significance.